The following is an entry in ClinVar:

NM_001365088.1(SLC12A6):c.2934+3G>A

Gene: SLC12A6 (solute carrier family 12 member 6; minus strand). Cytogenetic location: 15q14.
Variant type: single nucleotide variant.
Coding change: c.2934+3G>A on transcript NM_001365088.1 (MANE Select); 3 bases into the intron after coding-DNA position 2934, G replaced by A.
Molecular consequence: intron variant.
Genome position (GRCh38, 1-based): chr15:34,237,416, C>T on the plus strand (G>A on the coding strand, the complement: SLC12A6 is on the minus strand). VCF-style: chr15-34237416-C-T. GRCh37 (hg19) VCF-style: chr15-34529617-C-T.
Other names: c.2907+3G>A (NM_001042496.2); c.2889+3G>A (NM_001042497.2); c.2934+3G>A (NM_133647.2); c.2781+3G>A (NM_005135.2); c.2757+3G>A (NM_001042495.2, NM_001042494.2).
Identifiers: ClinVar variation 1436465 (VCV001436465.4), dbSNP rs747032924, ClinGen allele CA7463972.
Genomic context (GRCh38, chr15:34,237,416, plus strand): 5'-CAAGGAAGACAGGGAGAGGAATGGGGGAATGAACCTCTTGTATCTCAAACTCAGCTTTCT[C>T]ACCATCTCCACCACTTCTACCTCCGCCTCAATGCGTAAGTGATATAGGAAGGTGGCTAGG-3'

ClinVar aggregate classification (germline): Uncertain significance (1 of 4 stars; one submission).

Allele frequency attached by ClinVar (database versions not stated): gnomAD exomes below 0.00001 and 0.00002; ExAC 0.00002; TOPMed 0.00011; gnomAD 0.00013 and 0.00014.
gnomAD v4.1: 26 of 1,610,854 alleles (0.0016%); highest among the groups gnomAD compares: African/African-American, 0.028%; no homozygotes.

Submission:

Labcorp Genetics (formerly Invitae), Labcorp
Classification: Uncertain significance. Last evaluated: 2022-08-20. Review status: criteria provided, single submitter. Criteria: Invitae Variant Classification Sherloc (09022015). Collection method: clinical testing. Allele origin: germline.
Comment: This sequence change falls in intron 21 of the SLC12A6 gene. It does not directly change the encoded amino acid sequence of the SLC12A6 protein. It affects a nucleotide within the consensus splice site. This variant is present in population databases (rs747032924, gnomAD 0.05%). This variant has not been reported in the literature in individuals affected with SLC12A6-related conditions. ClinVar contains an entry for this variant (Variation ID: 1436465). Variants that disrupt the consensus splice site are a relatively common cause of aberrant splicing (PMID: 17576681, 9536098). Algorithms developed to predict the effect of sequence changes on RNA splicing suggest that this variant may disrupt the consensus splice site. In summary, the available evidence is currently insufficient to determine the role of this variant in disease. Therefore, it has been classified as a Variant of Uncertain Significance.

Literature cited by the submitters: PubMed 17576681; PubMed 9536098.